The following is an entry in ClinVar:

ClinVar aggregate classification (germline): Uncertain significance (1 of 4 stars; one submission).

Allele frequency attached by ClinVar (database versions not stated): gnomAD exomes below 0.00001; gnomAD 0.00001; TOPMed 0.00003.
gnomAD v4.1: 2 of 1,613,602 alleles (0.00012%); highest among the groups gnomAD compares: Admixed American, 0.0017%; no homozygotes.

Submission:

GeneDx
Classification: Uncertain significance. Last evaluated: 2017-04-18. Review status: criteria provided, single submitter. Criteria: GeneDx Variant Classification (06012015). Collection method: clinical testing. Allele origin: germline. Affected: yes.
Comment: p.Thr489Ala (T489A) ACT>GCT: c.1465 A>G in exon 11 of the COL5A1 gene (NM_000093.3) The T489A variant has not been published as a mutation, nor has it been reported as a benign polymorphism to our knowledge. The T489A variant was not observed in approximately 6500 individuals of European and African American ancestry in the NHLBI Exome Sequencing Project, indicating it is not a common benign variant in these populations. The T489A variant is a non-conservative amino acid substitution, which is likely to impact secondary protein structure as these residues differ in polarity, charge, size and/or other properties. This substitution occurs at a position that is conserved in mammals. A missense mutation in a nearby residue (G493R) has been reported iin association with Ehlers-Danlos syndrome, supporting the functional importance of this region of the protein. However, in silico analysis predicts this variant likely does not alter the protein structure/function. Additionally, the T489A variant does not affect a Glycine residue in a Gly-X-Y motif in the triple helical region of the COL5A1 gene, where the majority of missense mutations occur (Symoens et al., 2012).Therefore, based on the currently available information, it is unclear whether this variant is a pathogenic mutation or a rare benign variant. This variant was found in TAADV2-1

NM_000093.5(COL5A1):c.1465A>G (p.Thr489Ala)

Gene: COL5A1 (collagen type V alpha 1 chain; plus strand). Cytogenetic location: 9q34.3.
Variant type: single nucleotide variant.
Coding change: c.1465A>G on transcript NM_000093.5 (MANE Select); coding-DNA position 1465, A replaced by G.
Protein change: p.Thr489Ala; replaces threonine 489 with alanine.
Molecular consequence: missense variant.
Genome position (GRCh38, 1-based): chr9:134,738,779, A>G. VCF-style: chr9-134738779-A-G. GRCh37 (hg19) VCF-style: chr9-137630625-A-G.
Other names: p.T489A:ACT>GCT; c.1465A>G, p.Thr489Ala (NM_001278074.1); short protein forms T489A.
Identifiers: ClinVar variation 213028 (VCV000213028.2), dbSNP rs863223468, ClinGen allele CA320070.